The following is an entry in ClinVar:

NM_001010898.4(SLC6A17):c.286+10A>G

Genes: SLC6A17 (solute carrier family 6 member 17; plus strand), SLC6A17-AS1 (SLC6A17 antisense RNA 1; minus strand). Cytogenetic location: 1p13.3.
Variant type: single nucleotide variant.
Coding change: c.286+10A>G on transcript NM_001010898.4 (MANE Select); 10 bases into the intron after coding-DNA position 286, A replaced by G.
Molecular consequence: intron variant.
Genome position (GRCh38, 1-based): chr1:110,167,225, A>G. VCF-style: chr1-110167225-A-G. GRCh37 (hg19) VCF-style: chr1-110709847-A-G.
Identifiers: ClinVar variation 723416 (VCV000723416.8), dbSNP rs187996451, ClinGen allele CA997856.

ClinVar aggregate classification (germline): Conflicting classifications of pathogenicity. Review status: criteria provided, conflicting classifications (1 of 4 stars). 3 submissions from 3 submitters: Uncertain significance (1); Benign (1); Likely benign (1). Last evaluated 2018-05-30.

Conditions:
Intellectual developmental disorder, autosomal recessive 48. Also called: Progressive essential tremor-speech impairment-facial dysmorphism-intellectual disability-abnormal behavior syndrome. Identifiers: Orphanet 457212, MedGen C4225395, MONDO:0014559, OMIM 616269.

Allele frequency attached by ClinVar (database versions not stated): 1000 Genomes Project 0.00080; ESP Exome Variant Server 0.00161; ExAC 0.00044; gnomAD 0.00119 and 0.00109; TOPMed 0.00127; gnomAD exomes 0.00013 and 0.00026; 1000 Genomes Project 30x 0.00078.
gnomAD v4.1: 356 of 1,603,578 alleles (0.022%); highest among the groups gnomAD compares: African/African-American, 0.41%; 2 homozygotes.

Submissions (3):

Baylor Genetics
Classification: Uncertain significance for Intellectual developmental disorder, autosomal recessive 48. Last evaluated: 2018-05-30. Review status: criteria provided, single submitter. Criteria: ACMG Guidelines, 2015. Collection method: clinical testing. Allele origin: unknown. Affected: yes.
Comment: This variant was determined to be of uncertain significance according to ACMG Guidelines, 2015 [PMID:25741868].

Labcorp Genetics (formerly Invitae), Labcorp
Classification: Benign. Last evaluated: 2018-05-24. Review status: criteria provided, single submitter. Criteria: Invitae Variant Classification Sherloc (09022015). Collection method: clinical testing. Allele origin: germline.

Genetic Services Laboratory, University of Chicago
Classification: Likely benign. Last evaluated: 2018-05-02. Review status: criteria provided, single submitter. Criteria: ACMG Guidelines, 2015. Collection method: clinical testing. Allele origin: germline. Affected: no.